The following is an entry in ClinVar:

NM_001267550.2(TTN):c.77751T>A (p.Tyr25917Ter)

Genes: TTN-AS1 (TTN antisense RNA 1; plus strand), TTN (titin; minus strand). Cytogenetic location: 2q31.2.
Variant type: single nucleotide variant.
Coding change: c.77751T>A on transcript NM_001267550.2 (MANE Select); coding-DNA position 77751, T replaced by A.
Protein change: p.Tyr25917Ter; replaces tyrosine 25917 with a stop codon.
Molecular consequence: nonsense.
Genome position (GRCh38, 1-based): chr2:178,568,381, A>T on the plus strand (T>A on the coding strand, the complement: TTN is on the minus strand). VCF-style: chr2-178568381-A-T. GRCh37 (hg19) VCF-style: chr2-179433108-A-T.
Other names: c.72828T>A, p.Tyr24276Ter (NM_001256850.1); c.50556T>A, p.Tyr16852Ter (NM_003319.4); c.70047T>A, p.Tyr23349Ter (NM_133378.4); c.50931T>A, p.Tyr16977Ter (NM_133432.3); c.51132T>A, p.Tyr17044Ter (NM_133437.4); short protein forms Y25917*, Y16852*, Y17044*, Y23349*, Y16977*, Y24276*.
Identifiers: ClinVar variation 2124939 (VCV002124939.4), dbSNP rs2468360387, ClinGen allele CA349605048.
Genomic context (GRCh38, chr2:178,568,381, plus strand): 5'-TACTGTGGTGGTTGTATCTCTTTTCTGAACAATGTAGTTGGTGATTTGGCAGCCCCCTGT[A>T]TATAATGGAGGGTTCCAAGATAATGTAATACTTTCAGCACTGACGTCATCAAATTTAACA-3'

ClinVar aggregate classification (germline): Likely pathogenic (1 of 4 stars; one submission).

Conditions:
Dilated cardiomyopathy 1G (CMD1G). Identifiers: Orphanet 154, MedGen C1858763, MONDO:0011400, OMIM 604145.
Autosomal recessive limb-girdle muscular dystrophy type 2J (LGMDR10). Also called: Limb-girdle muscular dystrophy, type 2J; MUSCULAR DYSTROPHY, LIMB-GIRDLE, AUTOSOMAL RECESSIVE 10. Identifiers: Orphanet 140922, MedGen C1837342, MONDO:0012127, OMIM 608807.

Submission:

Labcorp Genetics (formerly Invitae), Labcorp
Classification: Likely pathogenic for Dilated cardiomyopathy 1G; Autosomal recessive limb-girdle muscular dystrophy type 2J. Last evaluated: 2022-04-11. Review status: criteria provided, single submitter. Criteria: Invitae Variant Classification Sherloc (09022015). Collection method: clinical testing. Allele origin: germline.
Comment: This sequence change creates a premature translational stop signal (p.Tyr25917*) in the TTN gene. While this is not anticipated to result in nonsense mediated decay, it is expected to create a truncated TTN protein. In summary, the currently available evidence indicates that the variant is pathogenic, but additional data are needed to prove that conclusively. Therefore, this variant has been classified as Likely Pathogenic. This variant is located in the A band of TTN (PMID: 25589632). Truncating variants in this region are significantly overrepresented in patients affected with dilated cardiomyopathy (PMID: 25589632). Truncating variants in this region have also been reported in individuals affected with autosomal recessive centronuclear myopathy (PMID: 23975875). This variant has not been reported in the literature in individuals affected with TTN-related conditions. This variant is not present in population databases (gnomAD no frequency).

Literature cited by the submitters: PubMed 25589632; PubMed 23975875.